The following is an entry in ClinVar:

NM_001367949.2(FAT3):c.7965T>C (p.Pro2655=)

Gene: FAT3 (FAT atypical cadherin 3; plus strand). Cytogenetic location: 11q14.3.
Variant type: single nucleotide variant.
Coding change: c.7965T>C on transcript NM_001367949.2 (MANE Select); coding-DNA position 7965, T replaced by C.
Protein change: p.Pro2655=; no amino-acid change (proline 2655 retained).
Molecular consequence: synonymous variant.
Genome position (GRCh38, 1-based): chr11:92,800,978, T>C. VCF-style: chr11-92800978-T-C. GRCh37 (hg19) VCF-style: chr11-92534144-T-C.
Other names: c.7965T>C, p.Pro2655= (NM_001008781.3).
Identifiers: ClinVar variation 3042750 (VCV003042750.2), dbSNP rs187737590, ClinGen allele CA6227537.

ClinVar aggregate classification (germline): Likely benign (0 of 4 stars; one submission).

Conditions:
FAT3-related disorder. Also called: FAT3-related condition.

Allele frequency attached by ClinVar (database versions not stated): ESP Exome Variant Server 0.00042; gnomAD 0.00076; TOPMed 0.00089; gnomAD exomes 0.00090; ExAC 0.00180; 1000 Genomes Project 0.00200; 1000 Genomes Project 30x 0.00203.
gnomAD v4.1: 1,440 of 1,613,392 alleles (0.089%); highest among the groups gnomAD compares: South Asian, 0.54%; 9 homozygotes.

Submission:

PreventionGenetics, part of Exact Sciences
Classification: Likely benign for FAT3-related condition. Last evaluated: 2019-06-28. Review status: no assertion criteria provided. Collection method: clinical testing. Allele origin: germline.
Comment: This variant is classified as likely benign based on ACMG/AMP sequence variant interpretation guidelines (Richards et al. 2015 PMID: 25741868, with internal and published modifications).